The following is an entry in ClinVar:

ClinVar aggregate classification (germline): Uncertain significance (1 of 4 stars; one submission).

Conditions:
Familial cold autoinflammatory syndrome 3 (FCAS3). Also called: FAMILIAL ATYPICAL COLD URTICARIA; ANTIBODY DEFICIENCY AND IMMUNE DYSREGULATION, PLCG2-ASSOCIATED. Identifiers: Orphanet 300359, MedGen C3280914, MONDO:0013766, OMIM 614468.
Autoinflammation-PLCG2-associated antibody deficiency-immune dysregulation. Also called: Autoinflammation, antibody deficiency, and immune dysregulation, plcg2-associated; Autoinflammation, antibody deficiency, and immune dysregulation syndrome; AUTOINFLAMMATION, ANTIBODY DEFICIENCY, AND IMMUNE DYSREGULATION. Identifiers: Orphanet 324530, MedGen C3553961, MONDO:0013944, OMIM 614878.

Submission:

Clinical Genomics Laboratory, Washington University in St. Louis
Classification: Uncertain significance for Familial cold autoinflammatory syndrome 3; Autoinflammation-PLCG2-associated antibody deficiency-immune dysregulation. Last evaluated: 2026-04-15. Review status: criteria provided, single submitter. Criteria: ACMG Guidelines, 2015. Collection method: clinical testing. Allele origin: germline.
Comment: The PLCG2 c.902T>C (p.Ile301Thr) variant, to our knowledge, has not been reported in the medical literature. This variant is absent from the general population (gnomAD v2.1.1), indicating it is not a common variant. Computational predictors are uncertain as to the impact of this variant on PLCG2 function. Due to limited information, and based on ACMG/AMP guidelines for variant interpretation (Richards S et al., PMID: 25741868), the clinical significance of this variant is uncertain at this time.

NM_002661.5(PLCG2):c.902T>C (p.Ile301Thr)

Gene: PLCG2 (phospholipase C gamma 2; plus strand). Cytogenetic location: 16q23.3.
Variant type: single nucleotide variant.
Coding change: c.902T>C on transcript NM_002661.5 (MANE Select); coding-DNA position 902, T replaced by C.
Protein change: p.Ile301Thr; replaces isoleucine 301 with threonine.
Molecular consequence: missense variant.
Genome position (GRCh38, 1-based): chr16:81,891,506, T>C. VCF-style: chr16-81891506-T-C. GRCh37 (hg19) VCF-style: chr16-81925111-T-C.
Other names: c.902T>C, p.Ile301Thr (NM_001425749.1, NM_001425750.1, NM_001425751.1); short protein forms I301T.
Identifiers: ClinVar variation 4879279 (VCV004879279.1).
Genomic context (GRCh38, chr16:81,891,506, plus strand): 5'-TCGGTCTTCGTGTTTGACTCTTTTAGTTCCTCACGTACCTGTTTTCACGAGAAAACAGCA[T>C]CTGGGATGAGAAGTATGACGCGGTGGACATGCAGGACATGAACAACCCCCTGTCTCATTA-3'
Protein context (NP_002652.2, residues 291-311): LTYLFSRENS[Ile301Thr]WDEKYDAVDM